The following is an entry in ClinVar:

NM_001377142.1(PLCB4):c.453G>T (p.Trp151Cys)

Gene: PLCB4 (phospholipase C beta 4; plus strand). Cytogenetic location: 20p12.2.
Variant type: single nucleotide variant.
Coding change: c.453G>T on transcript NM_001377142.1 (MANE Select); coding-DNA position 453, G replaced by T.
Protein change: p.Trp151Cys; replaces tryptophan 151 with cysteine.
Molecular consequence: missense variant.
Genome position (GRCh38, 1-based): chr20:9,365,464, G>T. VCF-style: chr20-9365464-G-T. GRCh37 (hg19) VCF-style: chr20-9346111-G-T.
Other names: c.453G>T, p.Trp151Cys (NM_000933.4, NM_001172646.2, NM_001377134.2 and 4 more transcripts); short protein forms W151C.
Identifiers: ClinVar variation 382944 (VCV000382944.2), dbSNP rs1057521489, ClinGen allele CA16608485.

ClinVar aggregate classification (germline): Likely pathogenic (1 of 4 stars; one submission).

Submission:

GeneDx
Classification: Likely pathogenic. Last evaluated: 2016-08-03. Review status: criteria provided, single submitter. Criteria: GeneDx Variant Classification (06012015). Collection method: clinical testing. Allele origin: germline. Affected: yes.
Comment: The W151C variant in the PLCB4 gene has not been reported previously as a pathogenic variant, nor as a benign variant, to our knowledge. The W151C variant was not observed in approximately 6,500 individuals of European and African American ancestry in the NHLBI Exome Sequencing Project, indicating it is not a common benign variant in these populations. The W151C variant is a non-conservative amino acid substitution, which is likely to impact secondary protein structure as these residues differ in polarity, charge, size and/or other properties. This substitution occurs at a position that is conserved across species. In silico analysis predicts this variant is probably damaging to the protein structure/function. The W151C variant is a strong candidate for a pathogenic variant.